The following is an entry in ClinVar:

NM_004006.3(DMD):c.31+36632A>G

Gene: DMD (dystrophin; minus strand). Cytogenetic location: Xp21.1.
Variant type: single nucleotide variant.
Coding change: c.31+36632A>G on transcript NM_004006.3 (MANE Select); 36632 bases into the intron after coding-DNA position 31, A replaced by G.
Molecular consequence: intron variant.
Genome position (GRCh38, 1-based): chrX:33,174,650, T>C on the plus strand (A>G on the coding strand, the complement: DMD is on the minus strand). VCF-style: chrX-33174650-T-C. GRCh37 (hg19) VCF-style: chrX-33192767-T-C.
Other names: c.8-154450A>G (NM_000109.4).
Identifiers: ClinVar variation 680936 (VCV000680936.1), dbSNP rs12007819, ClinGen allele CA328618644.

ClinVar aggregate classification (germline): Benign (1 of 4 stars; one submission).

Allele frequency attached by ClinVar (database versions not stated): gnomAD 0.04444 and 0.04746; 1000 Genomes Project 0.04742; 1000 Genomes Project 30x 0.04932; TOPMed 0.05223.
gnomAD v4.1: 4,875 of 110,965 alleles (4.4%); highest among the groups gnomAD compares: African/African-American, 15%; 293 homozygotes.

Submission:

GeneDx
Classification: Benign. Last evaluated: 2018-06-16. Review status: criteria provided, single submitter. Criteria: GeneDx Variant Classification (06012015). Collection method: clinical testing. Allele origin: germline. Affected: yes.
Comment: This variant is considered likely benign or benign based on one or more of the following criteria: it is a conservative change, it occurs at a poorly conserved position in the protein, it is predicted to be benign by multiple in silico algorithms, and/or has population frequency not consistent with disease.